The following is an entry in ClinVar:

NM_024589.3(ROGDI):c.445G>C (p.Val149Leu)

Gene: ROGDI (rogdi atypical leucine zipper; minus strand). Cytogenetic location: 16p13.3.
Variant type: single nucleotide variant.
Coding change: c.445G>C on transcript NM_024589.3 (MANE Select); coding-DNA position 445, G replaced by C.
Protein change: p.Val149Leu; replaces valine 149 with leucine.
Molecular consequence: missense variant. On other transcripts: non-coding transcript variant (1).
Genome position (GRCh38, 1-based): chr16:4,798,655, C>G on the plus strand (G>C on the coding strand, the complement: ROGDI is on the minus strand). VCF-style: chr16-4798655-C-G. GRCh37 (hg19) VCF-style: chr16-4848656-C-G.
Other names: short protein forms V149L.
Identifiers: ClinVar variation 1438429 (VCV001438429.7), dbSNP rs1248019368, ClinGen allele CA394651827.
Genomic context (GRCh38, chr16:4,798,655, plus strand): 5'-GGAGGGTGAGGGTGGCGGGGGTGGTGAGCCGGTTTCGGGCTCTGGTCAGCTGCAGCATCA[C>G]TGCGTCCATCAGCTGCAGGGAGAGGCGGGGTTGGCTCTGCGTCCTCCCGTGTCCCCATGC-3'
Protein context (NP_078865.1, residues 139-159): GAEVLKLMDA[Val149Leu]MLQLTRARNR

ClinVar aggregate classification (germline): Uncertain significance (1 of 4 stars; one submission).

Conditions:
Amelocerebrohypohidrotic syndrome (KTZS). Also called: Kohlschutter's syndrome; EPILEPSY AND YELLOW TEETH; EPILEPSY, DEMENTIA, AND AMELOGENESIS IMPERFECTA; KOHLSCHUTTER SYNDROME. Identifiers: Orphanet 1946, MedGen C0406740, MONDO:0009185, OMIM 226750.

Allele frequency attached by ClinVar (database versions not stated): gnomAD exomes 0.00001.
gnomAD v4.1: 1 of 1,567,488 alleles (0.000064%); no homozygotes.

Submission:

Labcorp Genetics (formerly Invitae), Labcorp
Classification: Uncertain significance for Amelocerebrohypohidrotic syndrome. Last evaluated: 2022-11-15. Review status: criteria provided, single submitter. Criteria: Invitae Variant Classification Sherloc (09022015). Collection method: clinical testing. Allele origin: germline.
Comment: In summary, the available evidence is currently insufficient to determine the role of this variant in disease. Therefore, it has been classified as a Variant of Uncertain Significance. Algorithms developed to predict the effect of missense changes on protein structure and function (SIFT, PolyPhen-2, Align-GVGD) all suggest that this variant is likely to be tolerated. ClinVar contains an entry for this variant (Variation ID: 1438429). This variant has not been reported in the literature in individuals affected with ROGDI-related conditions. The frequency data for this variant in the population databases is considered unreliable, as metrics indicate poor data quality at this position in the gnomAD database. This sequence change replaces valine, which is neutral and non-polar, with leucine, which is neutral and non-polar, at codon 149 of the ROGDI protein (p.Val149Leu).